The following is an entry in ClinVar:

ClinVar aggregate classification (germline): Uncertain significance (1 of 4 stars; one submission).

Conditions:
LRRC45-related disorder. Also called: LRRC45-related condition.

gnomAD v4.1: 29 of 1,608,340 alleles (0.0018%); highest among the groups gnomAD compares: Admixed American, 0.01%; no homozygotes.

Submission:

PreventionGenetics, part of Exact Sciences
Classification: Uncertain significance for LRRC45-related condition. Last evaluated: 2025-05-09. Review status: criteria provided, single submitter. Criteria: ACMG Guidelines, 2015. Collection method: clinical testing. Allele origin: germline.
Comment: The LRRC45 c.718C>T variant is predicted to result in the amino acid substitution p.Arg240Cys. To our knowledge, this variant has not been reported in the literature. This variant is reported in 0.014% of alleles in individuals of Latino descent in gnomAD. At this time, the clinical significance of this variant is uncertain due to the absence of conclusive functional and genetic evidence.

NM_144999.4(LRRC45):c.718C>T (p.Arg240Cys)

Gene: LRRC45 (leucine rich repeat containing 45; plus strand). Cytogenetic location: 17q25.3.
Variant type: single nucleotide variant.
Coding change: c.718C>T on transcript NM_144999.4 (MANE Select); coding-DNA position 718, C replaced by T.
Protein change: p.Arg240Cys; replaces arginine 240 with cysteine.
Molecular consequence: missense variant.
Genome position (GRCh38, 1-based): chr17:82,026,955, C>T. VCF-style: chr17-82026955-C-T. GRCh37 (hg19) VCF-style: chr17-79984831-C-T.
Other names: short protein forms R240C.
Identifiers: ClinVar variation 4978609 (VCV004978609.1).